The following is an entry in ClinVar:

ClinVar aggregate classification (germline): Likely pathogenic. Review status: criteria provided, single submitter (1 of 4 stars). 2 submissions from 2 submitters: Likely pathogenic (1). 1 of the submissions does not count toward it. Last evaluated 2025-03-04.

Conditions:
alpha Thalassemia. Also called: Alpha thalassemia spectrum. Identifiers: Orphanet 846, MedGen C0002312, MONDO:0011399, OMIM 604131.
Thalassemia. Identifiers: MedGen C0039730, MONDO:0000984.

Submissions (2):

Natera, Inc.
Classification: Likely pathogenic for Alpha thalassemia. Last evaluated: 2025-03-04. Review status: criteria provided, single submitter. Criteria: Natera Variant Classification Schema (03/2026). Collection method: clinical testing. Allele origin: germline.
Comment: The c.3G>A variant in HBA2 is predicted to result in start loss due to disruption of the initiator methionine. This variant is expected to result in nonsense mediated decay, truncation, or a dysfunctional protein product. This variant is rare in the general population with a frequency below the threshold expected for the associated phenotype(s). Given the available evidence, this variant is classified as Likely Pathogenic.

Istanbul Faculty of Medicine, Istanbul University
Classification: Likely pathogenic for Thalassemia. Last evaluated: 2026-02-26. Review status: no assertion criteria provided. Collection method: curation. Allele origin: germline. Affected: yes. Not counted in ClinVar's aggregate classification.
Comment: PS1, PVS1, PM2

Literature cited by the submitters: PubMed 42261243 (cited by Istanbul Faculty of Medicine, Istanbul University).

NM_000517.6(HBA2):c.3G>A (p.Met1Ile)

Genes: HBA2 (hemoglobin subunit alpha 2; plus strand), LOC106804612 (hemoglobin subunit alpha 2 recombination region; plus strand). Cytogenetic location: 16p13.3.
Variant type: single nucleotide variant.
Coding change: c.3G>A on transcript NM_000517.6 (MANE Select); coding-DNA position 3, G replaced by A.
Protein change: p.Met1Ile; changes the start codon (methionine 1).
Molecular consequence: missense variant, initiator codon variant.
Genome position (GRCh38, 1-based): chr16:172,915, G>A. VCF-style: chr16-172915-G-A. GRCh37 (hg19) VCF-style: chr16-222914-G-A.
Other names: short protein forms M1I.
Identifiers: ClinVar variation 4818670 (VCV004818670.2).